The following is an entry in ClinVar:

ClinVar aggregate classification (germline): Uncertain significance (1 of 4 stars; one submission).

Conditions:
Nemaline myopathy 6 (NEM6). Also called: Nemaline myopathy 6, autosomal dominant. Identifiers: Orphanet 171439, MedGen C1836472, MONDO:0012237, OMIM 609273.

Submission:

Labcorp Genetics (formerly Invitae), Labcorp
Classification: Uncertain significance for Nemaline myopathy 6. Last evaluated: 2024-08-08. Review status: criteria provided, single submitter. Criteria: Invitae Variant Classification Sherloc (09022015). Collection method: clinical testing. Allele origin: germline.
Comment: This variant, c.110_112dup, results in the insertion of 1 amino acid(s) of the KBTBD13 protein (p.Arg37_Ser38insCys), but otherwise preserves the integrity of the reading frame. This variant is present in population databases (no rsID available, gnomAD 0.007%). This variant has not been reported in the literature in individuals affected with KBTBD13-related conditions. In summary, the available evidence is currently insufficient to determine the role of this variant in disease. Therefore, it has been classified as a Variant of Uncertain Significance.

NM_001101362.3(KBTBD13):c.110_112dup (p.Arg37_Ser38insCys)

Gene: KBTBD13 (kelch repeat and BTB domain containing 13; plus strand). Cytogenetic location: 15q22.31.
Variant type: Duplication.
Coding change: c.110_112dup on transcript NM_001101362.3 (MANE Select); coding-DNA positions 110 to 112, 3 bases duplicated (GCT; older notation c.110_112dupGCT).
Protein change: p.Arg37_Ser38insCys.
Molecular consequence: inframe insertion.
Genome position (GRCh38, 1-based): chr15:65,076,925-65,076,927, GCT duplicated. VCF-style (leftmost placement, unchanged base first): chr15-65076924-C-CGCT. GRCh37 (hg19) VCF-style: chr15-65369262-C-CGCT.
Identifiers: ClinVar variation 3606439 (VCV003606439.2).